The following is an entry in ClinVar:

NM_032634.4(PIGO):c.1936C>T (p.Pro646Ser)

Gene: PIGO (phosphatidylinositol glycan anchor biosynthesis class O; minus strand). Cytogenetic location: 9p13.3.
Variant type: single nucleotide variant.
Coding change: c.1936C>T on transcript NM_032634.4 (MANE Select); coding-DNA position 1936, C replaced by T.
Protein change: p.Pro646Ser; replaces proline 646 with serine.
Molecular consequence: missense variant. On other transcripts: intron variant (2).
Genome position (GRCh38, 1-based): chr9:35,091,951, G>A on the plus strand (C>T on the coding strand, the complement: PIGO is on the minus strand). VCF-style: chr9-35091951-G-A. GRCh37 (hg19) VCF-style: chr9-35091948-G-A.
Other names: c.1344+592C>T (NM_152850.4, NM_001201484.2); short protein forms P646S.
Identifiers: ClinVar variation 1387622 (VCV001387622.6), dbSNP rs1829443313, ClinGen allele CA373321114.

ClinVar aggregate classification (germline): Uncertain significance (1 of 4 stars; one submission).

Conditions:
Hyperphosphatasia with impaired intellectual development syndrome 2. Also called: Hyperphosphatasia with intellectual disability syndrome 2; GLYCOSYLPHOSPHATIDYLINOSITOL BIOSYNTHESIS DEFECT 6. Identifiers: Orphanet 247262, MedGen C3553637, MONDO:0013882, OMIM 614749.

Allele frequency attached by ClinVar (database versions not stated): gnomAD exomes below 0.00001.

Submission:

Labcorp Genetics (formerly Invitae), Labcorp
Classification: Uncertain significance for Hyperphosphatasia with impaired intellectual development syndrome 2. Last evaluated: 2022-07-11. Review status: criteria provided, single submitter. Criteria: Invitae Variant Classification Sherloc (09022015). Collection method: clinical testing. Allele origin: germline.
Comment: In summary, the available evidence is currently insufficient to determine the role of this variant in disease. Therefore, it has been classified as a Variant of Uncertain Significance. Algorithms developed to predict the effect of missense changes on protein structure and function are either unavailable or do not agree on the potential impact of this missense change (SIFT: "Tolerated"; PolyPhen-2: "Possibly Damaging"; Align-GVGD: "Class C0"). ClinVar contains an entry for this variant (Variation ID: 1387622). This variant has not been reported in the literature in individuals affected with PIGO-related conditions. This variant is not present in population databases (gnomAD no frequency). This sequence change replaces proline, which is neutral and non-polar, with serine, which is neutral and polar, at codon 646 of the PIGO protein (p.Pro646Ser).